The following is an entry in ClinVar:

NM_001330260.2(SCN8A):c.4859G>T (p.Arg1620Leu)

Gene: SCN8A (sodium voltage-gated channel alpha subunit 8; plus strand). Cytogenetic location: 12q13.13.
Variant type: single nucleotide variant.
Coding change: c.4859G>T on transcript NM_001330260.2 (MANE Select); coding-DNA position 4859, G replaced by T.
Protein change: p.Arg1620Leu; replaces arginine 1620 with leucine.
Molecular consequence: missense variant.
Genome position (GRCh38, 1-based): chr12:51,806,345, G>T. VCF-style: chr12-51806345-G-T. GRCh37 (hg19) VCF-style: chr12-52200129-G-T.
Other names: c.4736G>T, p.Arg1579Leu (NM_001177984.3, NM_001369788.1); c.4859G>T, p.Arg1620Leu (NM_014191.4); c.4859G>T (NM_014191.3); short protein forms R1620L, R1579L.
Identifiers: ClinVar variation 225100 (VCV000225100.8), dbSNP rs869312966, ClinGen allele CA358166.

ClinVar aggregate classification (germline): Pathogenic. Review status: criteria provided, multiple submitters, no conflicts (2 of 4 stars). 2 submissions from 2 submitters: Pathogenic (2). Last evaluated 2023-07-21.

Conditions:
Inborn genetic diseases. Identifiers: MedGen C0950123, MeSH D030342.

Submissions (3):

GeneDx
Classification: Pathogenic. Last evaluated: 2023-07-21. Review status: criteria provided, single submitter. Criteria: GeneDx Variant Classification Process June 2021. Collection method: clinical testing. Allele origin: germline. Affected: yes.
Comment: Published functional studies demonstrate a damaging effect indicating that the R1620L variant reduces sodium current density and decreases neuronal firing (Liu et al., 2019); In silico analysis supports that this missense variant has a deleterious effect on protein structure/function; Missense variants in this gene are often considered pathogenic (HGMD); Not observed at significant frequency in large population cohorts (gnomAD); This variant is associated with the following publications: (PMID: 30615093, 28330790)

Ambry Genetics
Classification: Pathogenic for Inborn genetic diseases. Last evaluated: 2014-10-28. Review status: criteria provided, single submitter. Criteria: Ambry Variant Classification Scheme 2023. Collection method: clinical testing. Allele origin: germline.
Comment: The c.4859G>T (p.R1620L) alteration is located in exon 27 (coding exon 26) of the SCN8A gene. This alteration results from a G to T substitution at nucleotide position 4859, causing the arginine (R) at amino acid position 1620 to be replaced by a leucine (L). The alteration is not observed in healthy cohorts:_x000D_ Based on data from the NHLBI Exome Sequencing Project (ESP), the SCN8A c.4859G>T alteration was not observed among 6,273 individuals tested. Allele frequency data for this nucleotide position are not currently available from the 1000 Genomes Project and the alteration is not currently listed in the Database of Single Nucleotide Polymorphisms (dbSNP)._x000D_ Though some variants may appear to be rare due to database-specific ethnic underrepresentation, rare missense alleles commonly exhibit a deleterious effect on protein function (Kryukov, 2007; Tennessen, 2012). IF USED, PULL THESE INTO REFERENCES:_x000D_ Kryukov GV, et al. (2007) Am J Hum Genet 80:727-739. Tennessen JA, et al. (2012) Science 337(64):64-69. The altered amino acid is conserved throughout evolution:_x000D_ The p.R1620 amino acid is completely conserved in available vertebrate species. The amino acid is located in a functionally important protein domain:_x000D_ The p.R1620L amino acid is located in the S4 transmembrane segment of domain IV, the C-terminal domain of SCN8A (reviewed by Ohba, 2014). This domain of the voltage gated sodium channels has been highly conserved during evolution and is thought to play a role in channel inactivation (Trudeau, 2006). The alteration is predicted deleterious by in silico models:_x000D_ The p.R1620L alteration is predicted to be probably damaging by Polyphen and deleterious by SIFT in silico analyses. Based on the available evidence, this alteration is classified as pathogenic.

Channelopathy-Associated Epilepsy Research Center
No classification provided (evidence only). Condition: Complex neurodevelopmental disorder. Review status: no classification provided. Collection method: literature only. Allele origin: not applicable. Functional consequence: Normal voltage dependence of activation, Decrease in slope of activation, Decrease in peak current, Acceleration of recovery from fast inactivation, Moderate hyperpolarizing shift of voltage dependence of fast inactivation, Decrease in slope of fast inactivation, Normal fast inactivation, Overall loss-of-function effect with respect to biophysical channel activity. Not counted in ClinVar's aggregate classification.
ClinVar note: "not provided" was previously submitted as the classification for the variant. However, the classification appeared to be based only on an observation of functional data so it was converted to no classification on 2025-07-30.

Literature cited by the submitters: PubMed 30615093 (cited by Channelopathy-Associated Epilepsy Research Center).